The following is an entry in ClinVar:

ClinVar aggregate classification (germline): Likely pathogenic (1 of 4 stars; one submission).

Conditions:
Tumor predisposition syndrome 3 (TPDS3). Also called: Melanoma, cutaneous malignant, susceptibility to, 10; Glioma susceptibility 9; LONG TELOMERE SYNDROME, POT1-RELATED; POT1 Tumor Predisposition. Identifiers: Orphanet 618, MedGen C4014476, MONDO:0014368, OMIM 615848.

Submission:

Labcorp Genetics (formerly Invitae), Labcorp
Classification: Likely pathogenic for Tumor predisposition syndrome 3. Last evaluated: 2025-01-26. Review status: criteria provided, single submitter. Criteria: Invitae Variant Classification Sherloc (09022015). Collection method: clinical testing. Allele origin: germline.
Comment: This sequence change affects an acceptor splice site in intron 9 of the POT1 gene. It is expected to disrupt RNA splicing. Variants that disrupt the donor or acceptor splice site typically lead to a loss of protein function (PMID: 16199547), and loss-of-function variants in POT1 are known to be pathogenic (PMID: 32155570). This variant is not present in population databases (gnomAD no frequency). This variant has not been reported in the literature in individuals affected with POT1-related conditions. ClinVar contains an entry for this variant (Variation ID: 2988425). Algorithms developed to predict the effect of sequence changes on RNA splicing suggest that this variant may disrupt the consensus splice site. In summary, the currently available evidence indicates that the variant is pathogenic, but additional data are needed to prove that conclusively. Therefore, this variant has been classified as Likely Pathogenic.

Literature cited by the submitters: PubMed 16199547; PubMed 32155570.

NM_015450.3(POT1):c.703-2A>T

Gene: POT1 (protection of telomeres 1; minus strand). Cytogenetic location: 7q31.33.
Variant type: single nucleotide variant.
Coding change: c.703-2A>T on transcript NM_015450.3 (MANE Select); the canonical splice acceptor site of the intron before coding-DNA position 703, A replaced by T.
Molecular consequence: splice acceptor variant.
Genome position (GRCh38, 1-based): chr7:124,853,140, T>A on the plus strand (A>T on the coding strand, the complement: POT1 is on the minus strand). VCF-style: chr7-124853140-T-A. GRCh37 (hg19) VCF-style: chr7-124493194-T-A.
Other names: c.310-2A>T (NM_001042594.2).
Identifiers: ClinVar variation 2988425 (VCV002988425.3), dbSNP rs1795356111, ClinGen allele CA369055773.